The following is an entry in ClinVar:

NM_006445.4(PRPF8):c.3552C>T (p.Asn1184=)

Gene: PRPF8 (pre-mRNA processing factor 8; minus strand). Cytogenetic location: 17p13.3.
Variant type: single nucleotide variant.
Coding change: c.3552C>T on transcript NM_006445.4 (MANE Select); coding-DNA position 3552, C replaced by T.
Protein change: p.Asn1184=; no amino-acid change (asparagine 1184 retained).
Molecular consequence: synonymous variant.
Genome position (GRCh38, 1-based): chr17:1,673,462, G>A on the plus strand (C>T on the coding strand, the complement: PRPF8 is on the minus strand). VCF-style: chr17-1673462-G-A. GRCh37 (hg19) VCF-style: chr17-1576756-G-A.
Other names: c.3552C>T (NM_006445.3).
Identifiers: ClinVar variation 1556804 (VCV001556804.9), dbSNP rs2151125911, ClinGen allele CA497389125.
Genomic context (GRCh38, chr17:1,673,462, plus strand): 5'-ATAGCTGGTGCGGCACTTAGGCAGGATGCGGCACTCGAAGCCACACATGTTGAACAGCAG[G>A]TTGGGGTTGTCCTTACTGTACACAGACACGAAGCTGTTCTCCCACTGAACTGTAGTCACT-3'
Protein context (NP_006436.3, residues 1174-1194): FVSVYSKDNP[Asn1184=]LLFNMCGFEC

ClinVar aggregate classification (germline): Likely benign. Review status: criteria provided, multiple submitters, no conflicts (2 of 4 stars). 2 submissions from 2 submitters: Likely benign (2). Last evaluated 2025-02-12.

Conditions:
PRPF8-related disorder. Also called: PRPF8-related condition.

Submissions (2):

PreventionGenetics, part of Exact Sciences
Classification: Likely benign for PRPF8-related condition. Last evaluated: 2025-02-12. Review status: criteria provided, single submitter. Criteria: ACMG Guidelines, 2015. Collection method: clinical testing. Allele origin: germline.
Comment: This variant is classified as likely benign based on ACMG/AMP sequence variant interpretation guidelines (Richards et al. 2015 PMID: 25741868, with internal and published modifications).

Labcorp Genetics (formerly Invitae), Labcorp
Classification: Likely benign. Last evaluated: 2022-08-23. Review status: criteria provided, single submitter. Criteria: Invitae Variant Classification Sherloc (09022015). Collection method: clinical testing. Allele origin: germline.